The following is an entry in ClinVar:

NM_014319.5(LEMD3):c.*1901G>A

Gene: LEMD3 (LEM domain containing 3; plus strand). Cytogenetic location: 12q14.3.
Variant type: single nucleotide variant.
Coding change: c.*1901G>A on transcript NM_014319.5 (MANE Select); 1901 bases downstream of the stop codon, G replaced by A.
Molecular consequence: 3 prime UTR variant.
Genome position (GRCh38, 1-based): chr12:65,248,226, G>A. VCF-style: chr12-65248226-G-A. GRCh37 (hg19) VCF-style: chr12-65642006-G-A.
Other names: c.*1901G>A (NM_001167614.2).
Identifiers: ClinVar variation 310263 (VCV000310263.5), dbSNP rs12071, ClinGen allele CA10643222.

ClinVar aggregate classification (germline): Benign (1 of 4 stars; one submission).

Conditions:
Dermatofibrosis lenticularis disseminata (BOS). Also called: DERMATOFIBROSIS LENTICULARIS DISSEMINATA WITH OSTEOPOIKILOSIS; DERMATOOSTEOPOIKILOSIS; OSTEOPATHIA CONDENSANS DISSEMINATA. Identifiers: Orphanet 1306, MedGen C0265514, MONDO:0008157, OMIM 166700.

Allele frequency attached by ClinVar (database versions not stated): 1000 Genomes Project 30x 0.00297; 1000 Genomes Project 0.00319; TOPMed 0.00334; gnomAD 0.00335.

Submission:

Illumina Laboratory Services, Illumina
Classification: Benign for Dermatofibrosis lenticularis disseminata. Last evaluated: 2018-01-13. Review status: criteria provided, single submitter. Criteria: ICSL Variant Classification Criteria 13 December 2019. Collection method: clinical testing. Allele origin: germline.
Comment: This variant was observed in the ICSL laboratory as part of a predisposition screen in an ostensibly healthy population. It had not been previously curated by ICSL or reported in the Human Gene Mutation Database (HGMD: prior to June 1st, 2018), and was therefore a candidate for classification through an automated scoring system. Utilizing variant allele frequency, disease prevalence and penetrance estimates, and inheritance mode, an automated score was calculated to assess if this variant is too frequent to cause the disease. Based on the score and internal cut-off values, a variant classified as benign is not then subjected to further curation. The score for this variant resulted in a classification of benign for this disease.